The following is an entry in ClinVar:

NM_001124758.3(SPNS2):c.1512G>A (p.Ala504=)

Gene: SPNS2 (SPNS lysolipid transporter 2, sphingosine-1-phosphate; plus strand). Cytogenetic location: 17p13.2.
Variant type: single nucleotide variant.
Coding change: c.1512G>A on transcript NM_001124758.3 (MANE Select); coding-DNA position 1512, G replaced by A.
Protein change: p.Ala504=; no amino-acid change (alanine 504 retained).
Molecular consequence: synonymous variant.
Genome position (GRCh38, 1-based): chr17:4,536,331, G>A. VCF-style: chr17-4536331-G-A. GRCh37 (hg19) VCF-style: chr17-4439626-G-A.
Identifiers: ClinVar variation 2647259 (VCV002647259.24), dbSNP rs1041945035, ClinGen allele CA287161545.
Genomic context (GRCh38, chr17:4,536,331, plus strand): 5'-CCTGATCCGCCAGAGCACTAAGGACTCCCCGCTCTGGGAGTTCCTGAGCCTGGGCTACGC[G>A]CTCATGCTCTGCCCTTTCGTCGTGGTCCTGGGCGGCATGTTCTTCCTCGCCACTGCGCTC-3'
Protein context (NP_001118230.1, residues 494-514): PLWEFLSLGY[Ala504=]LMLCPFVVVL

ClinVar aggregate classification (germline): Likely benign (1 of 4 stars; one submission).

Allele frequency attached by ClinVar (database versions not stated): gnomAD 0.00003; TOPMed 0.00003.
gnomAD v4.1: 12 of 1,611,894 alleles (0.00074%); highest among the groups gnomAD compares: Non-Finnish European, 0.001%; no homozygotes.

Submission:

CeGaT Center for Human Genetics Tuebingen
Classification: Likely benign. Last evaluated: 2022-11-01. Review status: criteria provided, single submitter. Criteria: CeGaT Center For Human Genetics Tuebingen Variant Classification Criteria Version 2. Collection method: clinical testing. Allele origin: germline. Affected: yes. Observed: 1 variant allele.
Comment: SPNS2: BP4, BP7